The following is an entry in ClinVar:

ClinVar aggregate classification (germline): Uncertain significance (1 of 4 stars; one submission).

Conditions:
Rubinstein-Taybi syndrome (RSTS). Identifiers: Orphanet 783, MedGen C0035934, MONDO:0019188.

Submission:

Labcorp Genetics (formerly Invitae), Labcorp
Classification: Uncertain significance for Rubinstein-Taybi syndrome. Last evaluated: 2018-07-03. Review status: criteria provided, single submitter. Criteria: Invitae Variant Classification Sherloc (09022015). Collection method: clinical testing. Allele origin: germline.
Comment: The frequency data for this variant in the population databases is considered unreliable, as metrics indicate poor data quality at this position in the ExAC database. This variant, c.7058_7078del, results in the deletion of 7 amino acids of the CREBBP protein (p.Arg2353_Pro2359del), but otherwise preserves the integrity of the reading frame. Experimental studies and prediction algorithms are not available for this variant, and the functional significance of the deleted amino acids is currently unknown. In summary, the available evidence is currently insufficient to determine the role of this variant in disease. Therefore, it has been classified as a Variant of Uncertain Significance.

NM_004380.3(CREBBP):c.7058_7078del (p.Arg2353_Pro2359del)

Gene: CREBBP (CREB binding lysine acetyltransferase; minus strand). Cytogenetic location: 16p13.3.
Variant type: Deletion.
Coding change: c.7058_7078del on transcript NM_004380.3 (MANE Select); coding-DNA positions 7058 to 7078, 21 bases deleted (GGCCCCAGTCCCAGCCTCCAC).
Protein change: p.Arg2353_Pro2359del.
Molecular consequence: inframe deletion.
Genome position (GRCh38, 1-based): chr16:3,727,969-3,727,989, GTGGAGGCTGGGACTGGGGCC deleted on the plus strand (GGCCCCAGTCCCAGCCTCCAC on the coding strand, the reverse complement: CREBBP is on the minus strand); deleting any 21 consecutive bases within chr16:3,727,969-3,727,995 gives the same sequence; the c. name uses the placement nearest the transcript's 3' end. VCF-style (leftmost placement, unchanged base first): chr16-3727968-TGTGGAGGCTGGGACTGGGGCC-T. GRCh37 (hg19) VCF-style: chr16-3777969-TGTGGAGGCTGGGACTGGGGCC-T.
Other names: c.6944_6964del, p.Arg2315_Pro2321del (NM_001079846.1); c.7058_7078delGGCCCCAGTCCCAGCCTCCAC (NM_004380.2).
Identifiers: ClinVar variation 582844 (VCV000582844.8), dbSNP rs766383937, ClinGen allele CA7868955.